The following is an entry in ClinVar:

NM_024426.6(WT1):c.544T>C (p.Tyr182His)

Genes: WT1 (WT1 transcription factor; minus strand), LOC107982234 (WT1/WT1-AS bi-directional promoter region; plus strand). Cytogenetic location: 11p13.
Variant type: single nucleotide variant.
Coding change: c.544T>C on transcript NM_024426.6 (MANE Select); coding-DNA position 544, T replaced by C.
Protein change: p.Tyr182His; replaces tyrosine 182 with histidine.
Molecular consequence: missense variant. On other transcripts: non-coding transcript variant (1).
Genome position (GRCh38, 1-based): chr11:32,434,817, A>G on the plus strand (T>C on the coding strand, the complement: WT1 is on the minus strand). VCF-style: chr11-32434817-A-G. GRCh37 (hg19) VCF-style: chr11-32456363-A-G.
Other names: c.544T>C, p.Tyr182His (NM_000378.6, NM_001407044.1, NM_001407045.1 and 6 more transcripts); c.529T>C, p.Tyr177His (NM_024425.2); c.529T>C (NM_024426.4); short protein forms Y182H, Y177H.
Identifiers: ClinVar variation 2145584 (VCV002145584.6), dbSNP rs2494477429, ClinGen allele CA379964715.

ClinVar aggregate classification (germline): Uncertain significance. Review status: criteria provided, multiple submitters, no conflicts (2 of 4 stars). 3 submissions from 3 submitters: Uncertain significance (3). Last evaluated 2024-12-14.

Conditions:
Frasier syndrome. Identifiers: Orphanet 347, MedGen C0950122, MeSH D052159, MONDO:0007635, OMIM 136680.
Wilms tumor 1 (WT1). Also called: Wilms tumor, somatic. Identifiers: Orphanet 654, MedGen CN033288, MONDO:0008679, OMIM 194070.
11p partial monosomy syndrome (WAGR). Also called: CHROMOSOME 11p13 DELETION SYNDROME; WAGR syndrome; WAGR Spectrum Disorder; WAGR Complex. Identifiers: Orphanet 893, MedGen C0206115, MONDO:0008681, OMIM 194072.
Drash syndrome (DDS). Also called: WILMS TUMOR AND PSEUDO- OR TRUE HERMAPHRODITISM; NEPHROPATHY, WILMS TUMOR, AND GENITAL ANOMALIES. Identifiers: Orphanet 220, MedGen C0950121, MONDO:0008682, OMIM 194080.
Inborn genetic diseases. Identifiers: MedGen C0950123, MeSH D030342.
Mesothelioma, malignant (MESOM). Also called: Malignant mesothelioma (disease). Identifiers: Orphanet 50251, MedGen C0345967, MONDO:0006292, OMIM 156240, HP:0100001.
Nephrotic syndrome, type 4 (NPHS4). Also called: Familial mesangial sclerosis; Nephrotic syndrome, early onset with diffuse mesangial sclerosis. Identifiers: Orphanet 656, MedGen C3151568, MONDO:0009733, OMIM 256370.
Meacham syndrome. Also called: Meacham Winn Culler syndrome. Identifiers: Orphanet 3097, MedGen C1837026, MONDO:0012164, OMIM 608978.

Allele frequency attached by ClinVar (database versions not stated): gnomAD exomes below 0.00001.
gnomAD v4.1: 3 of 1,612,594 alleles (0.00019%); highest among the groups gnomAD compares: Non-Finnish European, 0.00025%; no homozygotes.

Submissions (3):

Ambry Genetics
Classification: Uncertain significance for Inborn genetic diseases. Last evaluated: 2024-12-14. Review status: criteria provided, single submitter. Criteria: Ambry Variant Classification Scheme 2023. Collection method: clinical testing. Allele origin: germline.
Comment: The p.Y177H variant (also known as c.529T>C), located in coding exon 1 of the WT1 gene, results from a T to C substitution at nucleotide position 529. The tyrosine at codon 177 is replaced by histidine, an amino acid with similar properties. This amino acid position is conserved. In addition, the in silico prediction for this alteration is inconclusive. Based on the available evidence, the clinical significance of this variant remains unclear.

Fulgent Genetics
Classification: Uncertain significance for Frasier syndrome; Mesothelioma, malignant; Wilms tumor 1; Drash syndrome; Nephrotic syndrome, type 4; Meacham syndrome. Last evaluated: 2024-04-18. Review status: criteria provided, single submitter. Criteria: ACMG Guidelines, 2015. Collection method: clinical testing. Allele origin: germline.

Labcorp Genetics (formerly Invitae), Labcorp
Classification: Uncertain significance for Wilms tumor 1; Drash syndrome; 11p partial monosomy syndrome; Frasier syndrome. Last evaluated: 2023-07-25. Review status: criteria provided, single submitter. Criteria: Invitae Variant Classification Sherloc (09022015). Collection method: clinical testing. Allele origin: germline.
Comment: In summary, the available evidence is currently insufficient to determine the role of this variant in disease. Therefore, it has been classified as a Variant of Uncertain Significance. An algorithm developed to predict the effect of missense changes on protein structure and function (PolyPhen-2) suggests that this variant is likely to be disruptive. ClinVar contains an entry for this variant (Variation ID: 2145584). This variant has not been reported in the literature in individuals affected with WT1-related conditions. This variant is not present in population databases (gnomAD no frequency). This sequence change replaces tyrosine, which is neutral and polar, with histidine, which is basic and polar, at codon 177 of the WT1 protein (p.Tyr177His).